The following is an entry in ClinVar:

ClinVar aggregate classification (germline): Pathogenic (1 of 4 stars; one submission).

Conditions:
Usher syndrome type 1 (USH1). Also called: RETINITIS PIGMENTOSA AND CONGENITAL DEAFNESS. Identifiers: Orphanet 231169, Orphanet 886, MedGen C1568247, MONDO:0010168, OMIM 276900.

Submission:

Myriad Genetics, Inc.
Classification: Pathogenic for Usher syndrome type 1. Last evaluated: 2025-06-22. Review status: criteria provided, single submitter. Criteria: Myriad Autosomal Dominant, Autosomal Recessive and X-Linked Classification Criteria (2023). Collection method: clinical testing. Allele origin: unknown.
Comment: NM_000260.3(MYO7A):c.454C>T(Q152*) is expected to be pathogenic in the context of MYO7A-related disorders. This variant is predicted to lead to an abnormal or absent protein product due to the creation of a premature termination codon in MYO7A, a gene where loss-of-function variants are known to be pathogenic. Please note: this variant was assessed in the context of healthy population screening.

NM_000260.4(MYO7A):c.454C>T (p.Gln152Ter)

Gene: MYO7A (myosin VIIA; plus strand). Cytogenetic location: 11q13.5.
Variant type: single nucleotide variant.
Coding change: c.454C>T on transcript NM_000260.4 (MANE Select); coding-DNA position 454, C replaced by T.
Protein change: p.Gln152Ter; replaces glutamine 152 with a stop codon.
Molecular consequence: nonsense.
Genome position (GRCh38, 1-based): chr11:77,156,075, C>T. VCF-style: chr11-77156075-C-T. GRCh37 (hg19) VCF-style: chr11-76867121-C-T.
Other names: c.454C>T, p.Gln152Ter (NM_001127180.2); c.421C>T, p.Gln141Ter (NM_001369365.1); short protein forms Q141*, Q152*.
Identifiers: ClinVar variation 5014629 (VCV005014629.1).
Genomic context (GRCh38, chr11:77,156,075, plus strand): 5'-CCCCACATCTTTGCCATTGCTGACAACTGCTACTTCAACATGAAACGCAACAGCCGAGAC[C>T]AGTGCTGCATCATCAGGTGGGCGGCCCAGCACCTGTGTGGAGCTCCAGGCTTAGGACCTA-3'